The following is an entry in ClinVar:

ClinVar aggregate classification (germline): Benign/Likely benign. Review status: criteria provided, multiple submitters, no conflicts (2 of 4 stars). 3 submissions from 3 submitters: Benign (1); Likely benign (1). 1 of the submissions does not count toward it. Last evaluated 2026-01-12.

Conditions:
CEP250-related disorder. Also called: CEP250-related condition.

Allele frequency attached by ClinVar (database versions not stated): ESP Exome Variant Server 0.00231; 1000 Genomes Project 30x 0.00265; 1000 Genomes Project 0.00280.
gnomAD v4.1: 685 of 1,613,906 alleles (0.042%); highest among the groups gnomAD compares: African/African-American, 0.81%; 5 homozygotes.

Submissions (3):

Labcorp Genetics (formerly Invitae), Labcorp
Classification: Benign. Last evaluated: 2026-01-12. Review status: criteria provided, single submitter. Criteria: Invitae Variant Classification Sherloc (09022015). Collection method: clinical testing. Allele origin: germline.

Blueprint Genetics
Classification: Likely benign. Last evaluated: 2024-11-13. Review status: criteria provided, single submitter. Criteria: ACMG Guidelines, 2015. Collection method: clinical testing. Allele origin: germline.

PreventionGenetics, part of Exact Sciences
Classification: Benign for CEP250-related condition. Last evaluated: 2019-08-07. Review status: no assertion criteria provided. Collection method: clinical testing. Allele origin: germline. Not counted in ClinVar's aggregate classification.
Comment: This variant is classified as benign based on ACMG/AMP sequence variant interpretation guidelines (Richards et al. 2015 PMID: 25741868, with internal and published modifications).

NM_007186.6(CEP250):c.5798C>A (p.Ala1933Glu)

Gene: CEP250 (centrosomal protein 250; plus strand). Cytogenetic location: 20q11.22.
Variant type: single nucleotide variant.
Coding change: c.5798C>A on transcript NM_007186.6 (MANE Select); coding-DNA position 5798, C replaced by A.
Protein change: p.Ala1933Glu; replaces alanine 1933 with glutamic acid.
Molecular consequence: missense variant.
Genome position (GRCh38, 1-based): chr20:35,504,167, C>A. VCF-style: chr20-35504167-C-A. GRCh37 (hg19) VCF-style: chr20-34091995-C-A.
Other names: c.3902C>A, p.Ala1301Glu (NM_001318219.1); c.5798C>A (NM_007186.5); short protein forms A1301E, A1933E.
Identifiers: ClinVar variation 1168132 (VCV001168132.12), dbSNP rs116637219, ClinGen allele CA9833935.